The following is an entry in ClinVar:

ClinVar aggregate classification (germline): Uncertain significance. Review status: reviewed by expert panel (3 of 4 stars). 2 submissions from 2 submitters: Uncertain significance (1). 1 of the submissions does not count toward it. Last evaluated 2019-05-04.

Conditions:
Phenylketonuria (PKU). Also called: Phenylketonuria (PKU); OLIGOPHRENIA PHENYLPYRUVICA; Phenylketonurias; FOLLING DISEASE. Identifiers: Orphanet 716, MedGen C0031485, MONDO:0009861, OMIM 261600. Disease mechanism: loss of function.

gnomAD v4.1: 1 of 1,614,072 alleles (0.000062%); highest among the groups gnomAD compares: East Asian, 0.0022%; no homozygotes.

Submissions (2):

ClinGen PAH Variant Curation Expert Panel
Classification: Uncertain significance for Phenylketonuria. Last evaluated: 2019-05-04. Review status: reviewed by expert panel. Criteria: ClinGen PAH ACMG Specifications v1. Collection method: curation. Allele origin: germline. Inheritance: Autosomal recessive inheritance.
Comment: The c.781C>G (p.Arg261Gly) variant in PAH has not been reported in the literature (to our knowledge). This variant is at extremely low frequency in gnomAD (MAF=0.00006, PM2). A deleterious effect is predicted in SIFT, Polyphen-2, MutationTaster, and REVEL=0.962. In summary, this variant meets criteria to be classified as uncertain significance for PAH. PAH-specific ACMG/AMP criteria applied: PM2, PP3.

Inserm U 954, Faculté de Médecine de Nancy
Classification: Likely pathogenic for Phenylketonuria. Review status: no assertion criteria provided. Collection method: not provided. Allele origin: unknown. Not counted in ClinVar's aggregate classification.
Comment: PKU patients
ClinVar note: Converted during submission from probable-pathogenic to Likely pathogenic.

NM_000277.3(PAH):c.781C>G (p.Arg261Gly)

Gene: PAH (phenylalanine hydroxylase; minus strand). Cytogenetic location: 12q23.2.
Variant type: single nucleotide variant.
Coding change: c.781C>G on transcript NM_000277.3 (MANE Select); coding-DNA position 781, C replaced by G.
Protein change: p.Arg261Gly; replaces arginine 261 with glycine.
Molecular consequence: missense variant.
Genome position (GRCh38, 1-based): chr12:102,852,876, G>C on the plus strand (C>G on the coding strand, the complement: PAH is on the minus strand). VCF-style: chr12-102852876-G-C. GRCh37 (hg19) VCF-style: chr12-103246654-G-C.
Other names: c.781C>G, p.Arg261Gly (NM_001354304.2); short protein forms R261G.
Identifiers: ClinVar variation 133314 (VCV000133314.3), dbSNP rs5030850, ClinGen allele CA269921.